The following is an entry in ClinVar:

ClinVar aggregate classification (germline): Uncertain significance (1 of 4 stars; one submission).

gnomAD v4.1: 7 of 1,610,564 alleles (0.00043%); highest among the groups gnomAD compares: Non-Finnish European, 0.00059%; no homozygotes.

Submission:

Labcorp Genetics (formerly Invitae), Labcorp
Classification: Uncertain significance. Last evaluated: 2021-06-19. Review status: criteria provided, single submitter. Criteria: Invitae Variant Classification Sherloc (09022015). Collection method: clinical testing. Allele origin: germline.
Comment: This sequence change replaces glutamic acid with aspartic acid at codon 36 of the TCIRG1 protein (p.Glu36Asp). The glutamic acid residue is moderately conserved and there is a small physicochemical difference between glutamic acid and aspartic acid. In summary, the available evidence is currently insufficient to determine the role of this variant in disease. Therefore, it has been classified as a Variant of Uncertain Significance. Algorithms developed to predict the effect of missense changes on protein structure and function are either unavailable or do not agree on the potential impact of this missense change (SIFT: "Tolerated"; PolyPhen-2: "Probably Damaging"; Align-GVGD: "Class C0"). This variant has not been reported in the literature in individuals with TCIRG1-related conditions. This variant is not present in population databases (ExAC no frequency).

NM_006019.4(TCIRG1):c.108G>C (p.Glu36Asp)

Gene: TCIRG1 (T cell immune regulator 1, ATPase H+ transporting V0 subunit a3; plus strand). Cytogenetic location: 11q13.2.
Variant type: single nucleotide variant.
Coding change: c.108G>C on transcript NM_006019.4 (MANE Select); coding-DNA position 108, G replaced by C.
Protein change: p.Glu36Asp; replaces glutamic acid 36 with aspartic acid.
Molecular consequence: missense variant. On other transcripts: 5 prime UTR variant (1).
Genome position (GRCh38, 1-based): chr11:68,041,379, G>C. VCF-style: chr11-68041379-G-C. GRCh37 (hg19) VCF-style: chr11-67808846-G-C.
Other names: c.-1142G>C (NM_001351059.2); short protein forms E36D.
Identifiers: ClinVar variation 1426595 (VCV001426595.8), dbSNP rs2134430861, ClinGen allele CA381573072.
Genomic context (GRCh38, chr11:68,041,379, plus strand): 5'-TCTGCCCACAGCGGCTGCCTACACCTGCGTGAGTCGGCTGGGCGAGCTGGGCCTCGTGGA[G>C]TTCAGAGACGTGAGTTGGGTGGGCAGGCGTGGGAAGGGGGCTACTGCCAAGGTTAGCCCG-3'
Protein context (NP_006010.2, residues 26-46): VSRLGELGLV[Glu36Asp]FRDLNASVSA